The following is an entry in ClinVar:

NM_002519.3(NPAT):c.3301C>T (p.Pro1101Ser)

Gene: NPAT (nuclear protein, coactivator of histone transcription; minus strand). Cytogenetic location: 11q22.3.
Variant type: single nucleotide variant.
Coding change: c.3301C>T on transcript NM_002519.3 (MANE Select); coding-DNA position 3301, C replaced by T.
Protein change: p.Pro1101Ser; replaces proline 1101 with serine.
Molecular consequence: missense variant.
Genome position (GRCh38, 1-based): chr11:108,161,785, G>A on the plus strand (C>T on the coding strand, the complement: NPAT is on the minus strand). VCF-style: chr11-108161785-G-A. GRCh37 (hg19) VCF-style: chr11-108032512-G-A.
Other names: c.3322C>T, p.Pro1108Ser (NM_001321307.1); short protein forms P1108S, P1101S.
Identifiers: ClinVar variation 1729988 (VCV001729988.4), dbSNP rs746405323, ClinGen allele CA6263604.
Genomic context (GRCh38, chr11:108,161,785, plus strand): 5'-TCTCTTTCTCTCTTTTGATAGCATTATTAGAAGGGGGTTTTAAGGTGGAGGACACATTGG[G>A]TGAGTCAAGATTAGGAAAAGAGACTGCATTCCTTTCTTTGTTTTGGGACACCATCTTATG-3'
Protein context (NP_002510.2, residues 1091-1111): NAVSFPNLDS[Pro1101Ser]NVSSTLKPPS

ClinVar aggregate classification (germline): Uncertain significance. Review status: criteria provided, multiple submitters, no conflicts (2 of 4 stars). 2 submissions from 2 submitters: Uncertain significance (2). Last evaluated 2025-11-25.

Allele frequency attached by ClinVar (database versions not stated): TOPMed 0.00001; gnomAD exomes below 0.00001; ExAC 0.00001; gnomAD 0.00001.
gnomAD v4.1: 3 of 1,613,802 alleles (0.00019%); highest among the groups gnomAD compares: African/African-American, 0.0013%; no homozygotes.

Submissions (2):

Labcorp Genetics (formerly Invitae), Labcorp
Classification: Uncertain significance. Last evaluated: 2025-11-25. Review status: criteria provided, single submitter. Criteria: Invitae Variant Classification Sherloc (09022015). Collection method: clinical testing. Allele origin: germline.
Comment: This sequence change replaces proline, which is neutral and non-polar, with serine, which is neutral and polar, at codon 1101 of the NPAT protein (p.Pro1101Ser). This variant is present in population databases (rs746405323, gnomAD 0.007%). This variant has not been reported in the literature in individuals affected with NPAT-related conditions. ClinVar contains an entry for this variant (Variation ID: 1729988). An algorithm developed to predict the effect of missense changes on protein structure and function outputs the following: PolyPhen-2: "Benign". The serine amino acid residue is found in multiple mammalian species, which suggests that this missense change does not adversely affect protein function. In summary, the available evidence is currently insufficient to determine the role of this variant in disease. Therefore, it has been classified as a Variant of Uncertain Significance.

Ambry Genetics
Classification: Uncertain significance. Last evaluated: 2024-05-21. Review status: criteria provided, single submitter. Criteria: Ambry Variant Classification Scheme 2023. Collection method: clinical testing. Allele origin: germline.
Comment: The p.P1101S variant (also known as c.3301C>T), located in coding exon 17 of the NPAT gene, results from a C to T substitution at nucleotide position 3301. The proline at codon 1101 is replaced by serine, an amino acid with similar properties. This amino acid position is conserved. In addition, this alteration is predicted to be tolerated by in silico analysis. Since supporting evidence is limited at this time, the clinical significance of this alteration remains unclear.